The following is an entry in ClinVar:

ClinVar aggregate classification (germline): Uncertain significance. Review status: criteria provided, multiple submitters, no conflicts (2 of 4 stars). 7 submissions from 7 submitters: Uncertain significance (7). Last evaluated 2025-04-04.

Conditions:
TSC2-related disorder. Also called: TSC2-Related Disorders; TSC2-related condition.
Hereditary cancer-predisposing syndrome. Also called: Hereditary neoplastic syndrome; Tumor predisposition; Hereditary Cancer Syndrome; Neoplastic Syndromes, Hereditary. Identifiers: Orphanet 140162, MedGen C0027672, MeSH D009386, MONDO:0015356.
Tuberous sclerosis syndrome (TSC). Also called: Tuberous Sclerosis Complex; Tuberous sclerosis. Identifiers: Orphanet 805, MedGen C0041341, MONDO:0001734.
Tuberous sclerosis 2 (TSC2). Identifiers: Orphanet 805, MedGen C1860707, MONDO:0013199, OMIM 613254.

Submissions (7):

Labcorp Genetics (formerly Invitae), Labcorp
Classification: Uncertain significance for Tuberous sclerosis 2. Last evaluated: 2025-04-04. Review status: criteria provided, single submitter. Criteria: Invitae Variant Classification Sherloc (09022015). Collection method: clinical testing. Allele origin: germline.
Comment: This variant, c.4092_4094del, results in the deletion of 1 amino acid(s) of the TSC2 protein (p.Ser1365del), but otherwise preserves the integrity of the reading frame. This variant is not present in population databases (gnomAD no frequency). This variant has not been reported in the literature in individuals affected with TSC2-related conditions. ClinVar contains an entry for this variant (Variation ID: 580940). Experimental studies and prediction algorithms are not available or were not evaluated, and the functional significance of this variant is currently unknown. In summary, the available evidence is currently insufficient to determine the role of this variant in disease. Therefore, it has been classified as a Variant of Uncertain Significance.

Ambry Genetics
Classification: Uncertain significance for Hereditary cancer-predisposing syndrome. Last evaluated: 2024-09-25. Review status: criteria provided, single submitter. Criteria: Ambry Variant Classification Scheme 2023. Collection method: clinical testing. Allele origin: germline.
Comment: The c.4092_4094delCTC variant (also known as p.S1365del) is located in coding exon 33 of the TSC2 gene. This variant results from an in-frame CTC deletion at nucleotide positions 4092 to 4094. This results in the in-frame deletion of a serine at codon 1365. This amino acid position is not well conserved in available vertebrate species. In addition, the in silico prediction for this alteration is inconclusive (Choi Y et al. PLoS ONE. 2012; 7(10):e46688). Based on the available evidence, the clinical significance of this variant remains unclear.

All of Us Research Program, National Institutes of Health
Classification: Uncertain significance for Tuberous sclerosis syndrome. Last evaluated: 2024-07-10. Review status: criteria provided, single submitter. Criteria: ACMG Guidelines, 2015. Collection method: clinical testing. Allele origin: germline. Inheritance: Autosomal dominant inheritance. Observed: 1 variant allele, 1 heterozygote.
Comment: This variant causes an in-frame deletion of one amino acid of the TSC2 protein. To our knowledge, functional studies have not been reported for this variant. This variant has not been reported in individuals affected with TSC2-related disorders in the literature. This variant has been identified in 1/248248 chromosomes in the general population by the Genome Aggregation Database (gnomAD). The available evidence is insufficient to determine the role of this variant in disease conclusively. Therefore, this variant is classified as a Variant of Uncertain Significance.

This study involves interpretation of variants in research participants for the purpose of population health screening. Participant phenotype was not available at the time of variant classification. Additional details can be found in publication PMID: 35346344, PMCID: PMC8962531

Color Diagnostics, LLC DBA Color Health
Classification: Uncertain significance for Tuberous sclerosis syndrome. Last evaluated: 2024-06-20. Review status: criteria provided, single submitter. Criteria: ACMG Guidelines, 2015. Collection method: clinical testing. Allele origin: germline.
Comment: This variant causes an in-frame deletion of one amino acid of the TSC2 protein. To our knowledge, functional studies have not been reported for this variant. This variant has not been reported in individuals affected with TSC2-related disorders in the literature. This variant has been identified in 1/248248 chromosomes in the general population by the Genome Aggregation Database (gnomAD). The available evidence is insufficient to determine the role of this variant in disease conclusively. Therefore, this variant is classified as a Variant of Uncertain Significance.

PreventionGenetics, part of Exact Sciences
Classification: Uncertain significance for TSC2-related condition. Last evaluated: 2022-11-23. Review status: criteria provided, single submitter. Criteria: ACMG Guidelines, 2015. Collection method: clinical testing. Allele origin: germline.
Comment: The TSC2 c.4092_4094delCTC variant is predicted to result in an in-frame deletion (p.Ser1365del). To our knowledge, this variant has not been reported in the literature. This variant is reported in 0.0062% of alleles in individuals of African descent in gnomAD. It is interpreted as uncertain significance in ClinVar. At this time, the clinical significance of this variant is uncertain due to the absence of conclusive functional and genetic evidence.

Sema4
Classification: Uncertain significance for Hereditary cancer-predisposing syndrome. Last evaluated: 2021-09-01. Review status: criteria provided, single submitter. Criteria: Sema4 Curation Guidelines. Collection method: curation. Allele origin: germline.
Comment: The TSC2 c.4092_4094delCTC (p.S1365del) variant has not been reported in the literature to our knowledge. It was observed in 1/16018 chromosomes of the African/African American subpopulation in the large and broad cohorts of the Genome Aggregation Database (PMID: 32461654). The variant has been reported in ClinVar (Variation ID 580940). The evidence is insufficient to meet ACMG/AMP criteria for classifying the variant as benign or pathogenic. Thus, the clinical significance of this variant is currently uncertain.

GeneDx
Classification: Uncertain significance. Last evaluated: 2019-10-29. Review status: criteria provided, single submitter. Criteria: GeneDx Variant Classification Process June 2021. Collection method: clinical testing. Allele origin: germline. Affected: yes.
Comment: In-frame deletion of one amino acid in a non-repeat region; In silico analysis, which includes protein predictors and evolutionary conservation, supports a deleterious effect

NM_000548.5(TSC2):c.4089CTC[1] (p.Ser1365del)

Gene: TSC2 (TSC complex subunit 2; plus strand). Cytogenetic location: 16p13.3.
Variant type: Microsatellite.
Coding change: c.4089CTC[1] on transcript NM_000548.5 (MANE Select); one copy of the 3-base unit CTC starting at c.4089; the reference has two copies in a row; one copy, 3 bases deleted; also written c.4092_4094del.
Protein change: p.Ser1365del; deletes serine 1365.
Molecular consequence: inframe deletion.
Genome position (GRCh38, 1-based): chr16:2,084,314-2,084,316, CTC deleted; deleting any 3 consecutive bases within chr16:2,084,311-2,084,316 gives the same sequence; the position shown is the placement nearest the transcript's 3' end. VCF-style (leftmost placement, unchanged base first): chr16-2084310-TCTC-T. GRCh37 (hg19) VCF-style: chr16-2134311-TCTC-T.
Other names: c.4092_4094del (NM_000548.3, NM_000548.5); c.3888CTC[1], p.Ser1298del (NM_001077183.3); c.4020CTC[1], p.Ser1342del (NM_001114382.3); c.3780CTC[1], p.Ser1262del (NM_001318827.2); c.3744CTC[1], p.Ser1250del (NM_001318829.2); c.3357CTC[1], p.Ser1121del (NM_001318831.2); c.3921CTC[1], p.Ser1309del (NM_001318832.2); c.3891CTC[1], p.Ser1299del (NM_001363528.2); and 2 more; short protein forms S1365del, S1298del, S1121del, S1322del, S1250del, S1299del, S1321del, S1342del.
Identifiers: ClinVar variation 580940 (VCV000580940.20), dbSNP rs755101865, ClinGen allele CA050406.
Genomic context (GRCh38, chr16:2,084,310, plus strand): 5'-AGGAGAAGTCGCTCCACGCGGAGGAGCTGGTTGGCAGGGGCATCCCCATCGAGCGAGTCG[TCTC>T]CTCGGAGGGTGGCCGGCCCTCTGTGGACCTCTCCTTCCAGCCCTCGCAGCCCCTGAGCAA-3'